The following is an entry in ClinVar:

ClinVar aggregate classification (germline): Uncertain significance. Review status: criteria provided, single submitter (1 of 4 stars). 2 submissions from 2 submitters: Uncertain significance (1). 1 of the submissions does not count toward it. Last evaluated 2021-08-26.

Conditions:
Sjögren-Larsson syndrome (SLS). Also called: ICHTHYOSIS, SPASTIC NEUROLOGIC DISORDER, AND OLIGOPHRENIA; FALDH DEFICIENCY; FATTY ALCOHOL:NAD+ OXIDOREDUCTASE DEFICIENCY; FATTY ALDEHYDE DEHYDROGENASE DEFICIENCY. Identifiers: Orphanet 816, MedGen C0037231, MONDO:0010031, OMIM 270200.

Allele frequency attached by ClinVar (database versions not stated): gnomAD 0.00001; gnomAD exomes 0.00001; ExAC 0.00002.
gnomAD v4.1: 20 of 1,614,032 alleles (0.0012%); highest among the groups gnomAD compares: Non-Finnish European, 0.0015%; no homozygotes.

Submissions (2):

Labcorp Genetics (formerly Invitae), Labcorp
Classification: Uncertain significance. Last evaluated: 2021-08-26. Review status: criteria provided, single submitter. Criteria: Invitae Variant Classification Sherloc (09022015). Collection method: clinical testing. Allele origin: germline.
Comment: This sequence change replaces aspartic acid with asparagine at codon 307 of the ALDH3A2 protein (p.Asp307Asn). The aspartic acid residue is highly conserved and there is a small physicochemical difference between aspartic acid and asparagine. This variant is present in population databases (rs745558212, ExAC 0.01%). This variant has not been reported in the literature in individuals affected with ALDH3A2-related conditions. Advanced modeling of protein sequence and biophysical properties (such as structural, functional, and spatial information, amino acid conservation, physicochemical variation, residue mobility, and thermodynamic stability) performed at Invitae indicates that this missense variant is not expected to disrupt ALDH3A2 protein function. In summary, the available evidence is currently insufficient to determine the role of this variant in disease. Therefore, it has been classified as a Variant of Uncertain Significance.

Natera, Inc.
Classification: Uncertain significance for Sjögren-Larsson syndrome. Last evaluated: 2020-10-12. Review status: no assertion criteria provided. Collection method: clinical testing. Allele origin: germline. Not counted in ClinVar's aggregate classification.

NM_000382.3(ALDH3A2):c.919G>A (p.Asp307Asn)

Gene: ALDH3A2 (aldehyde dehydrogenase 3 family member A2; plus strand). Cytogenetic location: 17p11.2.
Variant type: single nucleotide variant.
Coding change: c.919G>A on transcript NM_000382.3 (MANE Select); coding-DNA position 919, G replaced by A.
Protein change: p.Asp307Asn; replaces aspartic acid 307 with asparagine.
Molecular consequence: missense variant.
Genome position (GRCh38, 1-based): chr17:19,661,247, G>A. VCF-style: chr17-19661247-G-A. GRCh37 (hg19) VCF-style: chr17-19564560-G-A.
Other names: c.919G>A, p.Asp307Asn (NM_001031806.2, NM_001369136.1, NM_001369137.2 and 3 more transcripts); c.340G>A, p.Asp114Asn (NM_001369148.2); short protein forms D114N, D307N.
Identifiers: ClinVar variation 1005018 (VCV001005018.3), dbSNP rs745558212, ClinGen allele CA8442946.